The following is an entry in ClinVar:

ClinVar aggregate classification (germline): Uncertain significance. Review status: criteria provided, multiple submitters, no conflicts (2 of 4 stars). 2 submissions from 2 submitters: Uncertain significance (2). Last evaluated 2017-10-25.

Conditions:
Periventricular heterotopia with microcephaly, autosomal recessive (ARPHM). Also called: PERIVENTRICULAR NODULAR HETEROTOPIA 2; Periventricular heterotopia with microcephaly. Identifiers: Orphanet 2149, MedGen C1842563, MONDO:0011966, OMIM 608097.

Submissions (2):

Athena Diagnostics
Classification: Uncertain significance. Last evaluated: 2017-10-25. Review status: criteria provided, single submitter. Criteria: Athena Diagnostics Criteria. Collection method: clinical testing. Allele origin: germline.

Genetic Services Laboratory, University of Chicago
Classification: Uncertain significance. Last evaluated: 2016-03-14. Review status: criteria provided, single submitter. Criteria: ACMG Guidelines, 2015. Collection method: clinical testing. Allele origin: germline. Affected: no.

NM_006420.2(ARFGEF2):c.1062_1067del

Gene: ARFGEF2 (ARF guanine nucleotide exchange factor 2; plus strand). Cytogenetic location: 20q13.13.
Variant type: Deletion.
Coding change: c.1062_1067del on transcript NM_006420.2; coding-DNA positions 1062 to 1067, 6 bases deleted (ATCGGA; older notation c.1062_1067delATCGGA).
Genome position (GRCh38, 1-based): chr20:48,969,149-48,969,154, ATCGGA deleted; deleting any 6 consecutive bases within chr20:48,969,146-48,969,154 gives the same sequence; the c. name uses the placement nearest the transcript's 3' end. VCF-style (leftmost placement, unchanged base first): chr20-48969145-AGGAATC-A. GRCh37 (hg19) VCF-style: chr20-47585682-AGGAATC-A.
Identifiers: ClinVar variation 434295 (VCV000434295.8), dbSNP rs1555810077, ClinGen allele CA645372659.